The following is an entry in ClinVar:

ClinVar aggregate classification (germline): Uncertain significance (1 of 4 stars; one submission).

Conditions:
Hereditary cancer-predisposing syndrome. Also called: Neoplastic Syndromes, Hereditary; Hereditary Cancer Syndrome; Tumor predisposition; Hereditary neoplastic syndrome. Identifiers: Orphanet 140162, MedGen C0027672, MeSH D009386, MONDO:0015356.

Submission:

Ambry Genetics
Classification: Uncertain significance for Hereditary cancer-predisposing syndrome. Last evaluated: 2025-01-18. Review status: criteria provided, single submitter. Criteria: Ambry Variant Classification Scheme 2023. Collection method: clinical testing. Allele origin: germline.
Comment: The c.2639+3G>A intronic variant results from a G to A substitution 3 nucleotides after coding exon 22 in the TSC2 gene. This nucleotide position is not well conserved in available vertebrate species. In silico splice site analysis predicts that this alteration will not have any significant effect on splicing. Based on the available evidence, the clinical significance of this variant remains unclear.

NM_000548.5(TSC2):c.2639+3G>A

Gene: TSC2 (TSC complex subunit 2; plus strand). Cytogenetic location: 16p13.3.
Variant type: single nucleotide variant.
Coding change: c.2639+3G>A on transcript NM_000548.5 (MANE Select); 3 bases into the intron after coding-DNA position 2639, G replaced by A.
Molecular consequence: intron variant.
Genome position (GRCh38, 1-based): chr16:2,075,895, G>A. VCF-style: chr16-2075895-G-A. GRCh37 (hg19) VCF-style: chr16-2125896-G-A.
Other names: c.1295+3G>A (NM_001406693.1, NM_001406689.1, NM_001406690.1 and 6 more transcripts); c.2729+3G>A (NM_001406667.1, NM_001406668.1); c.2039+3G>A (NM_001406680.1, NM_001406683.1, NM_001406687.1 and 6 more transcripts); c.1037+3G>A (NM_001406698.1); c.2639+3G>A (NM_001114382.3, NM_001406663.1, NM_001406664.1 and 6 more transcripts); c.2627+3G>A (NM_001406671.1, NM_001406673.1); c.2177+3G>A (NM_001406681.1); c.2528+3G>A (NM_001406670.1, NM_001318827.2, NM_001406678.1); and 3 more.
Identifiers: ClinVar variation 3811329 (VCV003811329.1).